The following is an entry in ClinVar:

ClinVar aggregate classification (germline): Pathogenic (1 of 4 stars; one submission).

Conditions:
Fabry disease. Also called: ALPHA-GALACTOSIDASE A DEFICIENCY; ANDERSON-FABRY DISEASE; CERAMIDE TRIHEXOSIDASE DEFICIENCY; GLA DEFICIENCY; HEREDITARY DYSTOPIC LIPIDOSIS; Angiokeratoma corporis diffusum. Identifiers: Orphanet 324, MedGen C0002986, MONDO:0010526, OMIM 301500, HP:0001071. Disease mechanism: Fabry disease is due to inactivating mutations in the X-linked GLA gene resulting in deficiency of the enzyme Alpha Galactosidase-A., loss of function.

Submission:

Genomenon, Inc
Classification: Pathogenic for Fabry disease. Last evaluated: 2026-09-08. Review status: criteria provided, single submitter. Criteria: Genomenon Sequence Variant Interpretation Standards - Updated. Collection method: curation. Allele origin: germline. Affected: yes.
Comment: GLA p.Ile91MetfsTer29 (c.273_276del) is a frameshift variant that is predicted to introduce a premature termination codon and result in a truncated or absent protein product. This variant has been observed in at least one proband with clinical features consistent with Fabry disease (PMID:27531472). The variant was found to segregate with disease in at least one affected family (PMID:27531472). It is absent or not present at a significant frequency in gnomAD. In conclusion, we classify GLA p.Ile91MetfsTer29 (c.273_276del) as a pathogenic variant.

Literature cited by the submitters: PubMed 27531472.

NM_000169.3(GLA):c.273_276del (p.Ile91fs)

Genes: GLA (galactosidase alpha; minus strand), RPL36A-HNRNPH2 (RPL36A-HNRNPH2 readthrough; plus strand). Cytogenetic location: Xq22.1.
Variant type: Deletion.
Coding change: c.273_276del on transcript NM_000169.3 (MANE Select); coding-DNA positions 273 to 276, 4 bases deleted (TGAT; older notation c.273_276delTGAT).
Protein change: p.Ile91fs; shifts the reading frame from isoleucine 91.
Molecular consequence: frameshift variant. On other transcripts: non-coding transcript variant (3), intron variant (2).
Genome position (GRCh38, 1-based): chrX:101,403,904-101,403,907, ATCA deleted on the plus strand (TGAT on the coding strand, the reverse complement: GLA is on the minus strand); deleting any 4 consecutive bases within chrX:101,403,904-101,403,909 gives the same sequence; the c. name uses the placement nearest the transcript's 3' end. VCF-style (leftmost placement, unchanged base first): chrX-101403903-CATCA-C. GRCh37 (hg19) VCF-style: chrX-100658891-CATCA-C.
Other names: c.396_399del, p.Ile132fs (NM_001406747.1, NM_001406749.1); c.273_276del, p.Ile91fs (NM_001406748.1); c.301-8030_301-8027del (NM_001199973.2); c.178-8030_178-8027del (NM_001199974.2); short protein forms I132fs, I91fs.
Identifiers: ClinVar variation 4086938 (VCV004086938.2).
Genomic context (GRCh38, chrX:101,403,903, plus strand): 5'-AGCGCTGAGGGTCTGCCTGAAGTCTGCCTTCTGAATCTCTTTGGGGAGCCATCCAACAGT[CATCA>C]ATGCAGAGGTACTCATAACCTGCATCCTTCCAGCCTTCTGAGACCATGAGCTCTGCCATC-3'